The following is an entry in ClinVar:

ClinVar aggregate classification (germline): Uncertain significance (1 of 4 stars; one submission).

Allele frequency attached by ClinVar (database versions not stated): gnomAD exomes below 0.00001.
gnomAD v4.1: 35 of 1,612,844 alleles (0.0022%); highest among the groups gnomAD compares: African/African-American, 0.02%; no homozygotes.

Submission:

Labcorp Genetics (formerly Invitae), Labcorp
Classification: Uncertain significance. Last evaluated: 2022-08-02. Review status: criteria provided, single submitter. Criteria: Invitae Variant Classification Sherloc (09022015). Collection method: clinical testing. Allele origin: germline.
Comment: This sequence change replaces arginine, which is basic and polar, with glutamine, which is neutral and polar, at codon 1935 of the MYO15A protein (p.Arg1935Gln). This variant is present in population databases (no rsID available, gnomAD 0.008%). This variant has not been reported in the literature in individuals affected with MYO15A-related conditions. ClinVar contains an entry for this variant (Variation ID: 1479511). Advanced modeling of protein sequence and biophysical properties (such as structural, functional, and spatial information, amino acid conservation, physicochemical variation, residue mobility, and thermodynamic stability) performed at Invitae indicates that this missense variant is not expected to disrupt MYO15A protein function. In summary, the available evidence is currently insufficient to determine the role of this variant in disease. Therefore, it has been classified as a Variant of Uncertain Significance.

NM_016239.4(MYO15A):c.5804G>A (p.Arg1935Gln)

Gene: MYO15A (myosin XVA; plus strand). Cytogenetic location: 17p11.2.
Variant type: single nucleotide variant.
Coding change: c.5804G>A on transcript NM_016239.4 (MANE Select); coding-DNA position 5804, G replaced by A.
Protein change: p.Arg1935Gln; replaces arginine 1935 with glutamine.
Molecular consequence: missense variant.
Genome position (GRCh38, 1-based): chr17:18,142,233, G>A. VCF-style: chr17-18142233-G-A. GRCh37 (hg19) VCF-style: chr17-18045547-G-A.
Other names: short protein forms R1935Q.
Identifiers: ClinVar variation 1479511 (VCV001479511.3), dbSNP rs876657900, ClinGen allele CA398603473.
Genomic context (GRCh38, chr17:18,142,233, plus strand): 5'-GCTTCTTCATTAAGCGGCGATTCCGCTCTCTGCGCCACAAGATCATCCTGCTGCAAAGCC[G>A]GGCCCGTGGCTACCTTGCCAGGTGAGGCACAGAAAAGGCAGGATTCCTAGGAGACCTATG-3'
Protein context (NP_057323.3, residues 1925-1945): LRHKIILLQS[Arg1935Gln]ARGYLARQRY